The following is an entry in ClinVar:

NM_001035.3(RYR2):c.5158A>G (p.Met1720Val)

Gene: RYR2 (ryanodine receptor 2; plus strand). Cytogenetic location: 1q43.
Variant type: single nucleotide variant.
Coding change: c.5158A>G on transcript NM_001035.3 (MANE Select); coding-DNA position 5158, A replaced by G.
Protein change: p.Met1720Val; replaces methionine 1720 with valine.
Molecular consequence: missense variant.
Genome position (GRCh38, 1-based): chr1:237,614,286, A>G. VCF-style: chr1-237614286-A-G. GRCh37 (hg19) VCF-style: chr1-237777586-A-G.
Other names: short protein forms M1720V.
Identifiers: ClinVar variation 4800073 (VCV004800073.1).

ClinVar aggregate classification (germline): Uncertain significance (1 of 4 stars; one submission).

Conditions:
Catecholaminergic polymorphic ventricular tachycardia 1. Also called: VENTRICULAR TACHYCARDIA, STRESS-INDUCED POLYMORPHIC 1; RYR2-Related Catecholaminergic Polymorphic Ventricular Tachycardia; VENTRICULAR TACHYCARDIA, CATECHOLAMINERGIC POLYMORPHIC, 1, WITH OR WITHOUT ATRIAL DYSFUNCTION AND/OR DILATED CARDIOMYOPATHY. Identifiers: Orphanet 3286, MedGen C1631597, MONDO:0011484, OMIM 604772.

Submission:

Labcorp Genetics (formerly Invitae), Labcorp
Classification: Uncertain significance for Catecholaminergic polymorphic ventricular tachycardia 1. Last evaluated: 2025-12-09. Review status: criteria provided, single submitter. Criteria: Invitae Variant Classification Sherloc (09022015). Collection method: clinical testing. Allele origin: germline.
Comment: This sequence change replaces methionine, which is neutral and non-polar, with valine, which is neutral and non-polar, at codon 1720 of the RYR2 protein (p.Met1720Val). This variant is present in population databases (rs774822090, gnomAD 0.003%). This variant has not been reported in the literature in individuals affected with RYR2-related conditions. Invitae Evidence Modeling of protein sequence and biophysical properties (such as structural, functional, and spatial information, amino acid conservation, physicochemical variation, residue mobility, and thermodynamic stability) indicates that this missense variant is not expected to disrupt RYR2 protein function with a negative predictive value of 95%. In summary, the available evidence is currently insufficient to determine the role of this variant in disease. Therefore, it has been classified as a Variant of Uncertain Significance.